The following is an entry in ClinVar:

NM_004380.3(CREBBP):c.3088T>C (p.Ser1030Pro)

Gene: CREBBP (CREB binding lysine acetyltransferase; minus strand). Cytogenetic location: 16p13.3.
Variant type: single nucleotide variant.
Coding change: c.3088T>C on transcript NM_004380.3 (MANE Select); coding-DNA position 3088, T replaced by C.
Protein change: p.Ser1030Pro; replaces serine 1030 with proline.
Molecular consequence: missense variant.
Genome position (GRCh38, 1-based): chr16:3,767,882, A>G on the plus strand (T>C on the coding strand, the complement: CREBBP is on the minus strand). VCF-style: chr16-3767882-A-G. GRCh37 (hg19) VCF-style: chr16-3817883-A-G.
Other names: c.2974T>C, p.Ser992Pro (NM_001079846.1); short protein forms S1030P, S992P.
Identifiers: ClinVar variation 3350018 (VCV003350018.1).

ClinVar aggregate classification (germline): Uncertain significance (0 of 4 stars; one submission).

Conditions:
CREBBP-related disorder. Also called: CREBBP-related condition; CREBBP-related disorders.

Submission:

PreventionGenetics, part of Exact Sciences
Classification: Uncertain significance for CREBBP-related condition. Last evaluated: 2024-02-09. Review status: no assertion criteria provided. Collection method: clinical testing. Allele origin: germline.
Comment: The CREBBP c.3088T>C variant is predicted to result in the amino acid substitution p.Ser1030Pro. To our knowledge, this variant has not been reported in the literature or in a large population database, indicating this variant is rare. At this time, the clinical significance of this variant is uncertain due to the absence of conclusive functional and genetic evidence.